The following is an entry in ClinVar:

ClinVar aggregate classification (germline): Likely benign (0 of 4 stars; one submission).

Conditions:
ITSN2-related disorder. Also called: ITSN2-related condition.

Allele frequency attached by ClinVar (database versions not stated): TOPMed below 0.00001.
gnomAD v4.1: 15 of 1,612,796 alleles (0.00093%); highest among the groups gnomAD compares: Non-Finnish European, 0.0012%; no homozygotes.

Submission:

PreventionGenetics, part of Exact Sciences
Classification: Likely benign for ITSN2-related condition. Last evaluated: 2021-06-14. Review status: no assertion criteria provided. Collection method: clinical testing. Allele origin: germline.
Comment: This variant is classified as likely benign based on ACMG/AMP sequence variant interpretation guidelines (Richards et al. 2015 PMID: 25741868, with internal and published modifications).

NM_006277.3(ITSN2):c.3888C>G (p.Ser1296=)

Gene: ITSN2 (intersectin 2; minus strand). Cytogenetic location: 2p23.3.
Variant type: single nucleotide variant.
Coding change: c.3888C>G on transcript NM_006277.3 (MANE Select); coding-DNA position 3888, C replaced by G.
Protein change: p.Ser1296=; no amino-acid change (serine 1296 retained).
Molecular consequence: synonymous variant.
Genome position (GRCh38, 1-based): chr2:24,216,151, G>C on the plus strand (C>G on the coding strand, the complement: ITSN2 is on the minus strand). VCF-style: chr2-24216151-G-C. GRCh37 (hg19) VCF-style: chr2-24439020-G-C.
Other names: c.3846C>G, p.Ser1282= (NM_001348181.2); c.3768C>G, p.Ser1256= (NM_001348182.2); c.3807C>G, p.Ser1269= (NM_019595.4).
Identifiers: ClinVar variation 3036290 (VCV003036290.2), dbSNP rs750073294, ClinGen allele CA1550757.